The following is an entry in ClinVar:

NM_014225.6(PPP2R1A):c.1088A>G (p.Glu363Gly)

Gene: PPP2R1A (protein phosphatase 2 scaffold subunit Aalpha; plus strand). Cytogenetic location: 19q13.41.
Variant type: single nucleotide variant.
Coding change: c.1088A>G on transcript NM_014225.6 (MANE Select); coding-DNA position 1088, A replaced by G.
Protein change: p.Glu363Gly; replaces glutamic acid 363 with glycine.
Molecular consequence: missense variant. On other transcripts: non-coding transcript variant (1).
Genome position (GRCh38, 1-based): chr19:52,216,623, A>G. VCF-style: chr19-52216623-A-G. GRCh37 (hg19) VCF-style: chr19-52719876-A-G.
Other names: c.551A>G, p.Glu184Gly (NM_001363656.2); short protein forms E363G, E184G.
Identifiers: ClinVar variation 4087854 (VCV004087854.2).

ClinVar aggregate classification (germline): Uncertain significance (1 of 4 stars; one submission).

Submission:

GeneDx
Classification: Uncertain significance. Last evaluated: 2026-02-26. Review status: criteria provided, single submitter. Criteria: GeneDx Variant Classification Process June 2021. Collection method: clinical testing. Allele origin: germline.
Comment: Not observed at significant frequency in large population cohorts (gnomAD); In silico analysis supports that this missense variant has a deleterious effect on protein structure/function; Has not been previously published as pathogenic or benign to our knowledge